The following is an entry in ClinVar:

NM_001129.5(AEBP1):c.2130G>T (p.Trp710Cys)

Gene: AEBP1 (AE binding protein 1; plus strand). Cytogenetic location: 7p13.
Variant type: single nucleotide variant.
Coding change: c.2130G>T on transcript NM_001129.5 (MANE Select); coding-DNA position 2130, G replaced by T.
Protein change: p.Trp710Cys; replaces tryptophan 710 with cysteine.
Molecular consequence: missense variant.
Genome position (GRCh38, 1-based): chr7:44,112,234, G>T. VCF-style: chr7-44112234-G-T. GRCh37 (hg19) VCF-style: chr7-44151833-G-T.
Other names: short protein forms W710C.
Identifiers: ClinVar variation 3343407 (VCV003343407.1).

ClinVar aggregate classification (germline): Uncertain significance (1 of 4 stars; one submission).

Submission:

GeneDx
Classification: Uncertain significance. Last evaluated: 2023-05-13. Review status: criteria provided, single submitter. Criteria: GeneDx Variant Classification Process June 2021. Collection method: clinical testing. Allele origin: germline. Affected: yes.
Comment: Not observed at significant frequency in large population cohorts (gnomAD); In silico analysis supports that this missense variant has a deleterious effect on protein structure/function; Has not been previously published as pathogenic or benign to our knowledge